The following is an entry in ClinVar:

NM_001375883.1(GPR161):c.1196A>G (p.Gln399Arg)

Gene: GPR161 (G protein-coupled receptor 161; minus strand). Cytogenetic location: 1q24.2.
Variant type: single nucleotide variant.
Coding change: c.1196A>G on transcript NM_001375883.1 (MANE Select); coding-DNA position 1196, A replaced by G.
Protein change: p.Gln399Arg; replaces glutamine 399 with arginine.
Molecular consequence: missense variant.
Genome position (GRCh38, 1-based): chr1:168,090,572, T>C on the plus strand (A>G on the coding strand, the complement: GPR161 is on the minus strand). VCF-style: chr1-168090572-T-C. GRCh37 (hg19) VCF-style: chr1-168059810-T-C.
Other names: c.1256A>G, p.Gln419Arg (NM_001267609.1); c.1196A>G, p.Gln399Arg (NM_001267610.2, NM_001349632.1, NM_001349633.1 and 5 more transcripts); c.1247A>G, p.Gln416Arg (NM_001267611.1); c.800A>G, p.Gln267Arg (NM_001267612.2, NM_001349635.1); c.962A>G, p.Gln321Arg (NM_001267613.1); c.854A>G, p.Gln285Arg (NM_001267614.1); short protein forms Q267R, Q285R, Q321R, Q399R, Q416R, Q419R.
Identifiers: ClinVar variation 1691508 (VCV001691508.4), dbSNP rs1412562086, ClinGen allele CA343099765.
Genomic context (GRCh38, chr1:168,090,572, plus strand): 5'-GCAACACAGGGAAAACGCGACAGGTGAGAGGCTTATAAAGCACGCAGGTTACCTGAGTCC[T>C]GGGAGCAGCTGAAGCCAGTGTCCCCCGTGCTGCTGCTGTGCCCCAGGGGCTGTCCACCTG-3'
Protein context (NP_001362812.1, residues 389-409): STGDTGFSCS[Gln399Arg]DSGTDMMLLE

ClinVar aggregate classification (germline): Uncertain significance (1 of 4 stars; one submission).

Conditions:
Medulloblastoma (MDB). Also called: Medulloblastoma, somatic; MEDULLOBLASTOMA PREDISPOSITION SYNDROME. Identifiers: Orphanet 616, MedGen C0025149, MeSH D008527, MONDO:0007959, OMIM 155255, HP:0002885.

Allele frequency attached by ClinVar (database versions not stated): TOPMed below 0.00001; gnomAD 0.00001; gnomAD exomes 0.00001.
gnomAD v4.1: 12 of 1,593,994 alleles (0.00075%); highest among the groups gnomAD compares: Non-Finnish European, 0.001%; no homozygotes.

Submission:

St. Jude Molecular Pathology, St. Jude Children's Research Hospital
Classification: Uncertain significance for Medulloblastoma. Last evaluated: 2022-05-23. Review status: criteria provided, single submitter. Criteria: St. Jude Assertion Criteria 2020. Collection method: clinical testing. Allele origin: germline.
Comment: The GPR161 c.1196A>G (p.Gln399Arg) missense change has a overall frequency of 0.0032% in gnomAD v2.1.1 (PM2_supporting). It is predicted to have a benign effect on protein function (BP4), but to our knowledge this prediction has not been confirmed by functional assays. To our knowledge, this variant has not been reported in individuals with medulloblastoma. In summary, this variant meets criteria to be classified as of uncertain significance based on the ACMG/AMP criteria: PM2_supporting, BP4.